The following is an entry in ClinVar:

NM_000059.4(BRCA2):c.7663A>T (p.Lys2555Ter)

Gene: BRCA2 (BRCA2 DNA repair associated; plus strand). Cytogenetic location: 13q13.1.
Variant type: single nucleotide variant.
Coding change: c.7663A>T on transcript NM_000059.4 (MANE Select); coding-DNA position 7663, A replaced by T.
Protein change: p.Lys2555Ter; replaces lysine 2555 with a stop codon.
Molecular consequence: nonsense.
Genome position (GRCh38, 1-based): chr13:32,357,787, A>T. VCF-style: chr13-32357787-A-T. GRCh37 (hg19) VCF-style: chr13-32931924-A-T.
Other names: c.7567A>T, p.Lys2523Ter (NM_001406719.1); c.7663A>T, p.Lys2555Ter (NM_001406720.1); c.2731A>T, p.Lys911Ter (NM_001406721.1); c.1246A>T, p.Lys416Ter (NM_001406722.1); short protein forms K2523*, K2555*, K416*, K911*.
Identifiers: ClinVar variation 2431320 (VCV002431320.2), dbSNP rs1566242721, ClinGen allele CA387745005.

ClinVar aggregate classification (germline): Pathogenic/Likely pathogenic. Review status: criteria provided, multiple submitters, no conflicts (2 of 4 stars). 2 submissions from 2 submitters: Pathogenic (1); Likely pathogenic (1). Last evaluated 2023-12-27.

Conditions:
Breast-ovarian cancer, familial, susceptibility to, 2 (BROVCA2). Also called: BRCA2 Hereditary Breast and Ovarian Cancer. Identifiers: Orphanet 145, MedGen C2675520, MONDO:0012933, OMIM 612555. Disease mechanism: loss of function.
Familial cancer of breast. Also called: BREAST CANCER, FAMILIAL; hereditary breast carcinoma; Hereditary breast cancer. Identifiers: Orphanet 227535, MedGen C0346153, MONDO:0016419, OMIM 114480. Disease mechanism: loss of function.

Submissions (2):

Baylor Genetics
Classification: Likely pathogenic for Familial cancer of breast. Last evaluated: 2023-12-27. Review status: criteria provided, single submitter. Criteria: ACMG Guidelines, 2015. Collection method: clinical testing. Allele origin: unknown.

Myriad Genetics, Inc.
Classification: Pathogenic for Breast-ovarian cancer, familial, susceptibility to, 2. Last evaluated: 2023-01-17. Review status: criteria provided, single submitter. Criteria: Myriad Autosomal Dominant, Autosomal Recessive and X-Linked Classification Criteria (2023). Collection method: clinical testing. Allele origin: unknown.
Comment: This variant is considered pathogenic. This variant creates a termination codon and is predicted to result in premature protein truncation.